The following is an entry in ClinVar:

NM_001999.4(FBN2):c.6512-17G>C

Gene: FBN2 (fibrillin 2; minus strand). Cytogenetic location: 5q23.3.
Variant type: single nucleotide variant.
Coding change: c.6512-17G>C on transcript NM_001999.4 (MANE Select); 17 bases into the intron before coding-DNA position 6512, G replaced by C.
Molecular consequence: intron variant.
Genome position (GRCh38, 1-based): chr5:128,289,269, C>G on the plus strand (G>C on the coding strand, the complement: FBN2 is on the minus strand). VCF-style: chr5-128289269-C-G. GRCh37 (hg19) VCF-style: chr5-127624961-C-G.
Identifiers: ClinVar variation 213244 (VCV000213244.20), dbSNP rs28763932, ClinGen allele CA324353.

ClinVar aggregate classification (germline): Benign. Review status: criteria provided, multiple submitters, no conflicts (2 of 4 stars). 4 submissions from 4 submitters: Benign (4). Last evaluated 2026-02-04.

Conditions:
Congenital contractural arachnodactyly (CCA). Also called: Beals-Hecht syndrome; BEALS SYNDROME; Arthrogryposis, distal, type 9. Identifiers: Orphanet 115, MedGen C0220668, MONDO:0007363, OMIM 121050.

Allele frequency attached by ClinVar (database versions not stated): gnomAD exomes 0.00040 and 0.00117; ExAC 0.00140; gnomAD 0.00407 and 0.00427; TOPMed 0.00446; ESP Exome Variant Server 0.00469; 1000 Genomes Project 0.00579; 1000 Genomes Project 30x 0.00625.
gnomAD v4.1: 1,227 of 1,613,440 alleles (0.076%); highest among the groups gnomAD compares: African/African-American, 1.5%; 9 homozygotes.

Submissions (4):

Labcorp Genetics (formerly Invitae), Labcorp
Classification: Benign for Congenital contractural arachnodactyly. Last evaluated: 2026-02-04. Review status: criteria provided, single submitter. Criteria: Invitae Variant Classification Sherloc (09022015). Collection method: clinical testing. Allele origin: germline.

ARUP Laboratories, Molecular Genetics and Genomics, ARUP Laboratories
Classification: Benign. Last evaluated: 2024-07-08. Review status: criteria provided, single submitter. Criteria: ARUP Molecular Germline Variant Investigation Process 2024. Collection method: clinical testing. Allele origin: germline.

Women's Health and Genetics/Laboratory Corporation of America, LabCorp
Classification: Benign. Last evaluated: 2023-07-21. Review status: criteria provided, single submitter. Criteria: LabCorp Variant Classification Summary - May 2015. Collection method: clinical testing. Allele origin: germline.

GeneDx
Classification: Benign. Last evaluated: 2014-06-23. Review status: criteria provided, single submitter. Criteria: GeneDx Variant Classification (06012015). Collection method: clinical testing. Allele origin: germline. Affected: yes.
Comment: This variant is considered likely benign or benign based on one or more of the following criteria: it is a conservative change, it occurs at a poorly conserved position in the protein, it is predicted to be benign by multiple in silico algorithms, and/or has population frequency not consistent with disease.